The following is an entry in ClinVar:

NM_032520.5(GNPTG):c.654_657del (p.Gly217_Tyr218insTer)

Gene: GNPTG (N-acetylglucosamine-1-phosphate transferase subunit gamma; plus strand). Cytogenetic location: 16p13.3.
Variant type: Deletion.
Coding change: c.654_657del on transcript NM_032520.5 (MANE Select); coding-DNA positions 654 to 657, 4 bases deleted (CTTA; older notation c.654_657delCTTA).
Protein change: p.Gly217_Tyr218insTer.
Molecular consequence: nonsense.
Genome position (GRCh38, 1-based): chr16:1,362,655-1,362,658, CTTA deleted; deleting any 4 consecutive bases within chr16:1,362,653-1,362,658 gives the same sequence; the c. name uses the placement nearest the transcript's 3' end. VCF-style (leftmost placement, unchanged base first): chr16-1362652-CTACT-C. GRCh37 (hg19) VCF-style: chr16-1412653-CTACT-C.
Identifiers: ClinVar variation 2137750 (VCV002137750.4), dbSNP rs1195785709, ClinGen allele CA620700230.

ClinVar aggregate classification (germline): Pathogenic (1 of 4 stars; one submission).

Submission:

Labcorp Genetics (formerly Invitae), Labcorp
Classification: Pathogenic. Last evaluated: 2024-02-14. Review status: criteria provided, single submitter. Criteria: Invitae Variant Classification Sherloc (09022015). Collection method: clinical testing. Allele origin: germline.
Comment: This sequence change creates a premature translational stop signal (p.Tyr218*) in the GNPTG gene. It is expected to result in an absent or disrupted protein product. Loss-of-function variants in GNPTG are known to be pathogenic (PMID: 19370764, 20301784). This variant is present in population databases (no rsID available, gnomAD 0.007%). This premature translational stop signal has been observed in individual(s) with Mucolipidosis III gamma (PMID: 29170090, 30882951). ClinVar contains an entry for this variant (Variation ID: 2137750). Algorithms developed to predict the effect of sequence changes on RNA splicing suggest that this variant may disrupt the consensus splice site. For these reasons, this variant has been classified as Pathogenic.

Literature cited by the submitters: PubMed 19370764; PubMed 20301784; PubMed 29170090; PubMed 30882951.